The following is an entry in ClinVar:

NM_000038.6(APC):c.1959-2A>G

Gene: APC (APC regulator of Wnt signaling pathway; plus strand). Cytogenetic location: 5q22.2.
Variant type: single nucleotide variant.
Coding change: c.1959-2A>G on transcript NM_000038.6 (MANE Select); the canonical splice acceptor site of the intron before coding-DNA position 1959, A replaced by G.
Molecular consequence: splice acceptor variant.
Genome position (GRCh38, 1-based): chr5:112,837,551, A>G. VCF-style: chr5-112837551-A-G. GRCh37 (hg19) VCF-style: chr5-112173248-A-G.
Other names: c.2043-2A>G (NM_001407446.1); c.1989-2A>G (NM_001354897.2); c.1686-2A>G (NM_001354902.2); c.1905-2A>G (NM_001127511.3); c.2013-2A>G (NM_001407448.1, NM_001407449.1, NM_001354896.2 and 1 more transcripts); c.1959-2A>G (NM_001407450.1, NM_001127510.3, NM_001354895.2); c.1710-2A>G (NM_001407457.1, NM_001407455.1, NM_001407454.1 and 1 more transcripts); c.1656-2A>G (NM_001407458.1, NM_001407459.1, NM_001354903.2 and 1 more transcripts); and 11 more.
Identifiers: ClinVar variation 229816 (VCV000229816.14), dbSNP rs876658214, ClinGen allele CA10578331.
Genomic context (GRCh38, chr5:112,837,551, plus strand): 5'-TATTTGTTGTTACTGCATACACATTGTGACCTTAATTTTGTGATCTCTTGATTTTATTTC[A>G]GGCAAATCCTAAGAGAGAACAACTGTCTACAAACTTTATTACAACACTTAAAATCTCATA-3'

ClinVar aggregate classification (germline): Likely pathogenic. Review status: criteria provided, multiple submitters, no conflicts (2 of 4 stars). 5 submissions from 5 submitters: Likely pathogenic (4). 1 of the submissions does not count toward it. Last evaluated 2024-04-29.

Conditions:
Hereditary cancer-predisposing syndrome. Also called: Hereditary neoplastic syndrome; Tumor predisposition; Neoplastic Syndromes, Hereditary; Hereditary Cancer Syndrome. Identifiers: Orphanet 140162, MedGen C0027672, MeSH D009386, MONDO:0015356.
Familial adenomatous polyposis 1 (FAP1). Also called: POLYPOSIS, ADENOMATOUS INTESTINAL; FAMILIAL ADENOMATOUS POLYPOSIS 1, ATTENUATED. Identifiers: MedGen C2713442, MONDO:0021056, OMIM 175100. Disease mechanism: loss of function.
Carcinoma of colon (CRC). Also called: Colon carcinoma; Colonic carcinoma. Identifiers: MedGen C0699790, MONDO:0002032.

Submissions (5):

Labcorp Genetics (formerly Invitae), Labcorp
Classification: Likely pathogenic for Familial adenomatous polyposis 1. Last evaluated: 2024-04-29. Review status: criteria provided, single submitter. Criteria: Invitae Variant Classification Sherloc (09022015). Collection method: clinical testing. Allele origin: germline.
Comment: This sequence change affects an acceptor splice site in intron 15 of the APC gene. RNA analysis indicates that disruption of this splice site induces altered splicing and likely results in the loss of 4 amino acid residue(s), but is expected to preserve the integrity of the reading-frame. This variant is not present in population databases (gnomAD no frequency). Disruption of this splice site has been observed in individuals with familial adenomatous polyposis and attenuated familial adenomatous polyposis (PMID: 15459959, 20685668; Invitae). ClinVar contains an entry for this variant (Variation ID: 229816). Variants that disrupt the consensus splice site are a relatively common cause of aberrant splicing (PMID: 17576681, 9536098). Studies have shown that disruption of this splice site results in the activation of a cryptic splice site in 16 (Invitae). In summary, the currently available evidence indicates that the variant is pathogenic, but additional data are needed to prove that conclusively. Therefore, this variant has been classified as Likely Pathogenic.

Myriad Genetics, Inc.
Classification: Likely pathogenic for Familial adenomatous polyposis 1. Last evaluated: 2023-05-03. Review status: criteria provided, single submitter. Criteria: Myriad Autosomal Dominant, Autosomal Recessive and X-Linked Classification Criteria (2023). Collection method: clinical testing. Allele origin: unknown.
Comment: This variant is considered likely pathogenic. This variant occurs within a consensus splice junction and is predicted to result in abnormal mRNA splicing of either an out-of-frame exon or an in-frame exon necessary for protein stability and/or normal function.

Baylor Genetics
Classification: Likely pathogenic for Familial adenomatous polyposis 1. Last evaluated: 2021-05-06. Review status: criteria provided, single submitter. Criteria: ACMG Guidelines, 2015. Collection method: clinical testing. Allele origin: unknown.

Ambry Genetics
Classification: Likely pathogenic for Hereditary cancer-predisposing syndrome. Last evaluated: 2014-12-29. Review status: criteria provided, single submitter. Criteria: Ambry Variant Classification Scheme 2023. Collection method: clinical testing. Allele origin: germline.
Comment: The c.1959-2A>G intronic variant results from an A to G substitution two nucleotides upstream from coding exon 15 in the APC gene. This alteration was reported in an individual with an attenuated FAP phenotype and was demonstrated to result in use of a cryptic splice acceptor site, causing an in-frame deletion of the first four codons of exon 15 (Aretz S, Hum. Mutat. 2004 Nov; 24(5):370-80). This variant was not reported in population based cohorts in the following databases: Database of Single Nucleotide Polymorphisms (dbSNP), NHLBI Exome Sequencing Project (ESP), and 1000 Genomes Project. In the ESP, this variant was not observed in 6502 samples (13004 alleles) with coverage at this position. To date, this alteration has been detected with an allele frequency of approximately 0.005% (greater than 21000 alleles tested) in our clinical cohort. This nucleotide position is highly conserved in available vertebrate species. Using the BDGP and ESEfinder splice site prediction tools, this alteration is predicted to abolish the native acceptor splice site. Alterations that disrupt the canonical splice acceptor site are typically deleterious in nature (ACMG Recommendations for Standards for Interpretation and Reporting of Sequence Variations. Revision 2007. Genet Med. 2008;10:294). Based on the majority of available evidence to date, this variant is likely to be pathogenic.

Department of Pathology and Laboratory Medicine, Sinai Health System
Classification: Pathogenic for Carcinoma of colon. Review status: no assertion criteria provided. Collection method: clinical testing. Allele origin: unknown. Affected: yes. Observed: 1 variant allele. Study: The Canadian Open Genetics Repository (COGR). Not counted in ClinVar's aggregate classification.

Literature cited by the submitters: PubMed 15459959 (cited by Labcorp Genetics (formerly Invitae), Labcorp and Ambry Genetics); PubMed 20685668 (cited by Labcorp Genetics (formerly Invitae), Labcorp); PubMed 17576681 (cited by Labcorp Genetics (formerly Invitae), Labcorp); PubMed 9536098 (cited by Labcorp Genetics (formerly Invitae), Labcorp).